The following is an entry in ClinVar:

NM_002016.2(FLG):c.8633C>G (p.Ser2878Ter)

Genes: CCDST (cervical cancer associated DHX9 suppressive transcript; plus strand), FLG (filaggrin; minus strand). Cytogenetic location: 1q21.3.
Variant type: single nucleotide variant.
Coding change: c.8633C>G on transcript NM_002016.2 (MANE Select); coding-DNA position 8633, C replaced by G.
Protein change: p.Ser2878Ter; replaces serine 2878 with a stop codon.
Molecular consequence: nonsense.
Genome position (GRCh38, 1-based): chr1:152,306,253, G>C on the plus strand (C>G on the coding strand, the complement: FLG is on the minus strand). VCF-style: chr1-152306253-G-C. GRCh37 (hg19) VCF-style: chr1-152278729-G-C.
Other names: short protein forms S2878*.
Identifiers: ClinVar variation 4086511 (VCV004086511.1).

ClinVar aggregate classification (germline): Pathogenic (1 of 4 stars; one submission).

gnomAD v4.1: 2 of 1,605,198 alleles (0.00012%); highest among the groups gnomAD compares: Non-Finnish European, 0.000085%; no homozygotes.

Submission:

GeneDx
Classification: Pathogenic. Last evaluated: 2025-03-20. Review status: criteria provided, single submitter. Criteria: GeneDx Variant Classification Process June 2021. Collection method: clinical testing. Allele origin: germline. Affected: yes.
Comment: Nonsense variant predicted to result in protein truncation, as the last 1184 amino acids are lost, and other loss-of-function variants have been reported downstream in HGMD; Not observed at significant frequency in large population cohorts (gnomAD); Has not been previously published as pathogenic or benign to our knowledge; This variant is associated with the following publications: (PMID: 16444271)